The following is an entry in ClinVar:

NM_001303052.2(MYT1L):c.2107C>G (p.Leu703Val)

Gene: MYT1L (myelin transcription factor 1 like; minus strand). Cytogenetic location: 2p25.3.
Variant type: single nucleotide variant.
Coding change: c.2107C>G on transcript NM_001303052.2 (MANE Select); coding-DNA position 2107, C replaced by G.
Protein change: p.Leu703Val; replaces leucine 703 with valine.
Molecular consequence: missense variant.
Genome position (GRCh38, 1-based): chr2:1,892,213, G>C on the plus strand (C>G on the coding strand, the complement: MYT1L is on the minus strand). VCF-style: chr2-1892213-G-C. GRCh37 (hg19) VCF-style: chr2-1895985-G-C.
Other names: c.2107C>G, p.Leu703Val (NM_001329844.2, NM_001329845.1, NM_001329851.3); c.2101C>G, p.Leu701Val (NM_001329846.3, NM_001329847.2, NM_001329848.1 and 3 more transcripts); short protein forms L701V, L703V.
Identifiers: ClinVar variation 2650625 (VCV002650625.24), dbSNP rs2550730169, ClinGen allele CA345712822.

ClinVar aggregate classification (germline): Uncertain significance (1 of 4 stars; one submission).

Submission:

CeGaT Center for Human Genetics Tuebingen
Classification: Uncertain significance. Last evaluated: 2026-07-01. Review status: criteria provided, single submitter. Criteria: CeGaT Center For Human Genetics Tuebingen Variant Classification Criteria Version 2. Collection method: clinical testing. Allele origin: germline. Affected: yes. Observed: 2 variant alleles.
Comment: MYT1L: PM2, PP2, BP4